The following is an entry in ClinVar:

ClinVar aggregate classification (germline): Uncertain significance (1 of 4 stars; one submission).

Submission:

Labcorp Genetics (formerly Invitae), Labcorp
Classification: Uncertain significance. Last evaluated: 2025-08-04. Review status: criteria provided, single submitter. Criteria: Invitae Variant Classification Sherloc (09022015). Collection method: clinical testing. Allele origin: germline.
Comment: This sequence change replaces valine, which is neutral and non-polar, with isoleucine, which is neutral and non-polar, at codon 916 of the C3 protein (p.Val916Ile). Information on the frequency of this variant in the gnomAD database is not available, as this variant may be reported differently in the database. This variant has not been reported in the literature in individuals affected with C3-related conditions. ClinVar contains an entry for this variant (Variation ID: 1981558). Experimental studies and prediction algorithms are not available or were not evaluated, and the functional significance of this variant is currently unknown. In summary, the available evidence is currently insufficient to determine the role of this variant in disease. Therefore, it has been classified as a Variant of Uncertain Significance.

NM_000064.4(C3):c.2745_2746inv (p.Val916Ile)

Gene: C3 (complement C3; minus strand). Cytogenetic location: 19p13.3.
Variant type: Inversion.
Coding change: c.2745_2746inv on transcript NM_000064.4 (MANE Select).
Protein change: p.Val916Ile; replaces valine 916 with isoleucine.
Molecular consequence: missense variant.
Genome position: GRCh38 VCF-style: chr19-6697394-CA-TG. GRCh37 (hg19) VCF-style: chr19-6697405-CA-TG.
Other names: short protein forms V916I.
Identifiers: ClinVar variation 1981558 (VCV001981558.4), ClinGen allele CA2580097038.